The following is an entry in ClinVar:

NM_001253697.2(ERBIN):c.3759G>T (p.Met1253Ile)

Gene: ERBIN (erbb2 interacting protein; plus strand). Cytogenetic location: 5q12.3.
Variant type: single nucleotide variant.
Coding change: c.3759G>T on transcript NM_001253697.2 (MANE Select); coding-DNA position 3759, G replaced by T.
Protein change: p.Met1253Ile; replaces methionine 1253 with isoleucine.
Molecular consequence: missense variant. On other transcripts: intron variant (1).
Genome position (GRCh38, 1-based): chr5:66,075,026, G>T. VCF-style: chr5-66075026-G-T. GRCh37 (hg19) VCF-style: chr5-65370854-G-T.
Other names: c.3636G>T, p.Met1212Ile (NM_001253698.2, NM_018695.4); c.3780G>T, p.Met1260Ile (NM_001253699.2); c.3624G>T, p.Met1208Ile (NM_001253701.2); c.3634-1290G>T (NM_001006600.3); short protein forms M1253I, M1212I, M1260I, M1208I.
Identifiers: ClinVar variation 1347087 (VCV001347087.8), dbSNP rs2151306321, ClinGen allele CA359870901.

ClinVar aggregate classification (germline): Uncertain significance (1 of 4 stars; one submission).

Submission:

Labcorp Genetics (formerly Invitae), Labcorp
Classification: Uncertain significance. Last evaluated: 2022-07-11. Review status: criteria provided, single submitter. Criteria: Invitae Variant Classification Sherloc (09022015). Collection method: clinical testing. Allele origin: germline.
Comment: This sequence change replaces methionine, which is neutral and non-polar, with isoleucine, which is neutral and non-polar, at codon 1253 of the ERBIN protein (p.Met1253Ile). This variant is not present in population databases (gnomAD no frequency). This variant has not been reported in the literature in individuals affected with ERBIN-related conditions. ClinVar contains an entry for this variant (Variation ID: 1347087). Algorithms developed to predict the effect of missense changes on protein structure and function output the following: SIFT: "Tolerated"; PolyPhen-2: "Benign"; Align-GVGD: "Class C0". The isoleucine amino acid residue is found in multiple mammalian species, which suggests that this missense change does not adversely affect protein function. In summary, the available evidence is currently insufficient to determine the role of this variant in disease. Therefore, it has been classified as a Variant of Uncertain Significance.